The following is an entry in ClinVar:

ClinVar aggregate classification (germline): Likely benign (0 of 4 stars; one submission).

Conditions:
SEMA3B-related disorder. Also called: SEMA3B-related condition.

gnomAD v4.1: 18 of 1,536,380 alleles (0.0012%); highest among the groups gnomAD compares: East Asian, 0.0024%; no homozygotes.

Submission:

PreventionGenetics, part of Exact Sciences
Classification: Likely benign for SEMA3B-related condition. Last evaluated: 2022-06-28. Review status: no assertion criteria provided. Collection method: clinical testing. Allele origin: germline.
Comment: This variant is classified as likely benign based on ACMG/AMP sequence variant interpretation guidelines (Richards et al. 2015 PMID: 25741868, with internal and published modifications).

NM_001290060.2(SEMA3B):c.12C>T (p.Ala4=)

Gene: SEMA3B (semaphorin 3B; plus strand). Cytogenetic location: 3p21.31.
Variant type: single nucleotide variant.
Coding change: c.12C>T on transcript NM_001290060.2 (MANE Select); coding-DNA position 12, C replaced by T.
Protein change: p.Ala4=; no amino-acid change (alanine 4 retained).
Molecular consequence: synonymous variant.
Genome position (GRCh38, 1-based): chr3:50,269,252, C>T. VCF-style: chr3-50269252-C-T. GRCh37 (hg19) VCF-style: chr3-50306684-C-T.
Other names: c.12C>T, p.Ala4= (NM_001005914.3, NM_001290061.1, NM_004636.4).
Identifiers: ClinVar variation 3357737 (VCV003357737.1).